The following is an entry in ClinVar:

ClinVar aggregate classification (germline): Uncertain significance (1 of 4 stars; one submission).

Conditions:
Alpha thalassemia-X-linked intellectual disability syndrome (ATRX). Also called: ALPHA-THALASSEMIA/MENTAL RETARDATION SYNDROME, X-LINKED; ATR, NONDELETION TYPE; ATR-X syndrome; Alpha thalassemia mental retardation syndrome, nondeletion type, X-linked; XLMR hypotonic face syndrome; X-linked alpha-thalassemia-mental retardation syndrome. Identifiers: Orphanet 847, MedGen C1845055, MONDO:0010519, OMIM 301040.

Submission:

Labcorp Genetics (formerly Invitae), Labcorp
Classification: Uncertain significance for Alpha thalassemia-X-linked intellectual disability syndrome. Last evaluated: 2024-03-02. Review status: criteria provided, single submitter. Criteria: Invitae Variant Classification Sherloc (09022015). Collection method: clinical testing. Allele origin: germline.
Comment: This sequence change replaces asparagine, which is neutral and polar, with aspartic acid, which is acidic and polar, at codon 281 of the ATRX protein (p.Asn281Asp). This variant is not present in population databases (gnomAD no frequency). This variant has not been reported in the literature in individuals affected with ATRX-related conditions. Advanced modeling of protein sequence and biophysical properties (such as structural, functional, and spatial information, amino acid conservation, physicochemical variation, residue mobility, and thermodynamic stability) performed at Invitae indicates that this missense variant is not expected to disrupt ATRX protein function with a negative predictive value of 95%. In summary, the available evidence is currently insufficient to determine the role of this variant in disease. Therefore, it has been classified as a Variant of Uncertain Significance.

NM_000489.6(ATRX):c.841A>G (p.Asn281Asp)

Gene: ATRX (ATRX chromatin remodeler; minus strand). Cytogenetic location: Xq21.1.
Variant type: single nucleotide variant.
Coding change: c.841A>G on transcript NM_000489.6 (MANE Select); coding-DNA position 841, A replaced by G.
Protein change: p.Asn281Asp; replaces asparagine 281 with aspartic acid.
Molecular consequence: missense variant.
Genome position (GRCh38, 1-based): chrX:77,684,415, T>C on the plus strand (A>G on the coding strand, the complement: ATRX is on the minus strand). VCF-style: chrX-77684415-T-C. GRCh37 (hg19) VCF-style: chrX-76939907-T-C.
Other names: c.727A>G, p.Asn243Asp (NM_138270.5); short protein forms N281D, N243D.
Identifiers: ClinVar variation 3694448 (VCV003694448.2).